The following is an entry in ClinVar:

NM_001202.6(BMP4):c.764G>A (p.Ser255Asn)

Gene: BMP4 (bone morphogenetic protein 4; minus strand). Cytogenetic location: 14q22.2.
Variant type: single nucleotide variant.
Coding change: c.764G>A on transcript NM_001202.6 (MANE Select); coding-DNA position 764, G replaced by A.
Protein change: p.Ser255Asn; replaces serine 255 with asparagine.
Molecular consequence: missense variant.
Genome position (GRCh38, 1-based): chr14:53,950,495, C>T on the plus strand (G>A on the coding strand, the complement: BMP4 is on the minus strand). VCF-style: chr14-53950495-C-T. GRCh37 (hg19) VCF-style: chr14-54417213-C-T.
Other names: c.905G>A, p.Ser302Asn (NM_001347912.1); c.575G>A, p.Ser192Asn (NM_001347913.2, NM_001347915.2, NM_001347917.1); c.764G>A, p.Ser255Asn (NM_001347914.2, NM_001347916.1, NM_130850.5 and 1 more transcripts); short protein forms S302N, S192N, S255N.
Identifiers: ClinVar variation 2931496 (VCV002931496.4), dbSNP rs1171733069, ClinGen allele CA389784001.
Genomic context (GRCh38, chr14:53,950,495, plus strand): 5'-AAGGTGACCAGGAGGGGCCGGAGCTGGGCCCAATTCCCACTCCCTTGAGGTAACGATCGG[C>T]TAATCCTGACATGCTGGCCCTGGTGGGTCCGAGTCTGATGGAGGTGAGTCACCTCAATGG-3'
Protein context (NP_001193.2, residues 245-265): RTHQGQHVRI[Ser255Asn]RSLPQGSGNW

ClinVar aggregate classification (germline): Uncertain significance. Review status: criteria provided, multiple submitters, no conflicts (2 of 4 stars). 2 submissions from 2 submitters: Uncertain significance (2). Last evaluated 2024-01-22.

Conditions:
Microphthalmia with brain and digit anomalies (MCOPS6). Also called: MICROPHTHALMIA AND PITUITARY ANOMALIES; Microphthalmia, syndromic 6. Identifiers: Orphanet 139471, MedGen C1864689, MONDO:0011936, OMIM 607932.
Orofacial cleft 11 (OFC11). Also called: Orofacial cleft 11; ofc11; CLEFT LIP WITH OR WITHOUT CLEFT PALATE, NONSYNDROMIC, 11. Identifiers: MedGen C2677434, MONDO:0010906, OMIM 600625.

Allele frequency attached by ClinVar (database versions not stated): gnomAD exomes below 0.00001; TOPMed 0.00001.
gnomAD v4.1: 1 of 1,614,184 alleles (0.000062%); highest among the groups gnomAD compares: Admixed American, 0.0017%; no homozygotes.

Submissions (2):

Fulgent Genetics
Classification: Uncertain significance for Orofacial cleft 11; Microphthalmia with brain and digit anomalies. Last evaluated: 2024-01-22. Review status: criteria provided, single submitter. Criteria: ACMG Guidelines, 2015. Collection method: clinical testing. Allele origin: germline.

Labcorp Genetics (formerly Invitae), Labcorp
Classification: Uncertain significance for Microphthalmia with brain and digit anomalies; Orofacial cleft 11. Last evaluated: 2022-12-04. Review status: criteria provided, single submitter. Criteria: Invitae Variant Classification Sherloc (09022015). Collection method: clinical testing. Allele origin: germline.
Comment: This sequence change replaces serine, which is neutral and polar, with asparagine, which is neutral and polar, at codon 255 of the BMP4 protein (p.Ser255Asn). This variant is present in population databases (no rsID available, gnomAD 0.003%). This variant has not been reported in the literature in individuals affected with BMP4-related conditions. Advanced modeling of protein sequence and biophysical properties (such as structural, functional, and spatial information, amino acid conservation, physicochemical variation, residue mobility, and thermodynamic stability) performed at Invitae indicates that this missense variant is not expected to disrupt BMP4 protein function. In summary, the available evidence is currently insufficient to determine the role of this variant in disease. Therefore, it has been classified as a Variant of Uncertain Significance.